The following is an entry in ClinVar:

NM_006767.4(LZTR1):c.1634_1637dup (p.Ile547fs)

Gene: LZTR1 (leucine zipper like post translational regulator 1; plus strand). Cytogenetic location: 22q11.21.
Variant type: Duplication.
Coding change: c.1634_1637dup on transcript NM_006767.4 (MANE Select); coding-DNA positions 1634 to 1637, 4 bases duplicated (TGCT; older notation c.1634_1637dupTGCT).
Protein change: p.Ile547fs; shifts the reading frame from isoleucine 547.
Molecular consequence: frameshift variant.
Genome position (GRCh38, 1-based): chr22:20,994,576-20,994,579, TGCT duplicated. VCF-style (leftmost placement, unchanged base first): chr22-20994575-C-CTGCT. GRCh37 (hg19) VCF-style: chr22-21348864-C-CTGCT.
Other names: short protein forms I547fs.
Identifiers: ClinVar variation 3541713 (VCV003541713.1).

ClinVar aggregate classification (germline): Pathogenic (1 of 4 stars; one submission).

Conditions:
Hereditary cancer-predisposing syndrome. Also called: Hereditary Cancer Syndrome; Hereditary neoplastic syndrome; Tumor predisposition; Neoplastic Syndromes, Hereditary. Identifiers: Orphanet 140162, MedGen C0027672, MeSH D009386, MONDO:0015356.
Cardiovascular phenotype. Identifiers: MedGen CN230736.

Submission:

Ambry Genetics
Classification: Pathogenic for Cardiovascular phenotype; Hereditary cancer-predisposing syndrome. Last evaluated: 2024-12-05. Review status: criteria provided, single submitter. Criteria: Ambry Variant Classification Scheme 2023. Collection method: clinical testing. Allele origin: germline.
Comment: The c.1634_1637dupTGCT pathogenic mutation, located in coding exon 15 of the LZTR1 gene, results from a duplication of TGCT at nucleotide position 1634, causing a translational frameshift with a predicted alternate stop codon (p.I547Afs*123). This variant is considered to be rare based on population cohorts in the Genome Aggregation Database (gnomAD). This alteration is expected to result in loss of function by premature protein truncation or nonsense-mediated mRNA decay. Loss-of-function variants in LZTR1 are related to an increased risk for schwannomas and autosomal recessive Noonan syndrome; however, such associations with autosomal dominant Noonan syndrome have not been observed (Piotrowski A et al. Nat Genet. 2014 Feb;46:182-7; Yamamoto GL et al. J Med Genet. 2015 Jun;52:413-21; Johnston JJ et al. Genet Med. 2018 10;20:1175-1185). Based on the supporting evidence, this variant is pathogenic for an increased risk of LZTR1-related schwannomatosis (SWN) and would be expected to cause autosomal recessive Noonan syndrome when present along with a second pathogenic or likely pathogenic variant on the other allele; however, the association of this alteration with autosomal dominant Noonan syndrome is unlikely.